The following is an entry in ClinVar:

ClinVar aggregate classification (germline): Benign/Likely benign. Review status: criteria provided, multiple submitters, no conflicts (2 of 4 stars). 8 submissions from 8 submitters: Benign (7); Likely benign (1). Last evaluated 2026-09-01.

Conditions:
Nemaline myopathy 9 (NEM9). Identifiers: MedGen C3810384, MONDO:0014326, OMIM 615731.

Allele frequency attached by ClinVar (database versions not stated): 1000 Genomes Project 0.00419; 1000 Genomes Project 30x 0.00422; TOPMed 0.00479; ExAC 0.00540; gnomAD exomes 0.00556 and 0.00799; gnomAD 0.00571 and 0.00597; ESP Exome Variant Server 0.00677.
gnomAD v4.1: 12,376 of 1,614,174 alleles (0.77%); highest among the groups gnomAD compares: Non-Finnish European, 0.92%; 93 homozygotes.

Submissions (8):

CeGaT Center for Human Genetics Tuebingen
Classification: Likely benign. Last evaluated: 2026-09-01. Review status: criteria provided, single submitter. Criteria: CeGaT Center For Human Genetics Tuebingen Variant Classification Criteria Version 2. Collection method: clinical testing. Allele origin: germline. Affected: yes. Observed: 17 variant alleles.
Comment: KLHL41: BS2

Labcorp Genetics (formerly Invitae), Labcorp
Classification: Benign for Nemaline myopathy 9. Last evaluated: 2026-02-03. Review status: criteria provided, single submitter. Criteria: Invitae Variant Classification Sherloc (09022015). Collection method: clinical testing. Allele origin: germline.

Centre for Mendelian Genomics, University Medical Centre Ljubljana
Classification: Benign for Nemaline myopathy 9. Last evaluated: 2020-03-25. Review status: criteria provided, single submitter. Criteria: ACMG Guidelines, 2015. Collection method: clinical testing. Allele origin: unknown. Affected: yes.
Comment: This variant was classified as: Benign. The following ACMG criteria were applied in classifying this variant: BS1,BS2.

GeneDx
Classification: Benign. Last evaluated: 2020-01-17. Review status: criteria provided, single submitter. Criteria: GeneDx Variant Classification Process June 2021. Collection method: clinical testing. Allele origin: germline. Affected: yes.

Mayo Clinic Laboratories, Mayo Clinic
Classification: Benign. Last evaluated: 2017-12-05. Review status: criteria provided, single submitter. Criteria: ACMG Guidelines, 2015. Collection method: clinical testing. Allele origin: germline. Observed: 6 variant alleles.

Genetic Services Laboratory, University of Chicago
Classification: Benign. Last evaluated: 2017-11-03. Review status: criteria provided, single submitter. Criteria: ACMG Guidelines, 2015. Collection method: clinical testing. Allele origin: germline. Affected: no.

Breakthrough Genomics
Classification: Benign. Review status: criteria provided, single submitter. Criteria: ACMG Guidelines, 2015. Collection method: not provided. Allele origin: germline. Inheritance: Autosomal recessive inheritance. Affected: yes.

PreventionGenetics, part of Exact Sciences
Classification: Benign. Review status: criteria provided, single submitter. Criteria: ACMG Guidelines, 2015. Collection method: clinical testing. Allele origin: germline.

NM_006063.3(KLHL41):c.863T>G (p.Leu288Arg)

Gene: KLHL41 (kelch like family member 41; plus strand). Cytogenetic location: 2q31.1.
Variant type: single nucleotide variant.
Coding change: c.863T>G on transcript NM_006063.3 (MANE Select); coding-DNA position 863, T replaced by G.
Protein change: p.Leu288Arg; replaces leucine 288 with arginine.
Molecular consequence: missense variant.
Genome position (GRCh38, 1-based): chr2:169,510,641, T>G. VCF-style: chr2-169510641-T-G. GRCh37 (hg19) VCF-style: chr2-170367151-T-G.
Other names: p.Leu288Arg; short protein forms L288R.
Identifiers: ClinVar variation 259912 (VCV000259912.50), dbSNP rs139415849, ClinGen allele CA1956570.